The following is an entry in ClinVar:

ClinVar aggregate classification (germline): Uncertain significance (1 of 4 stars; one submission).

Conditions:
Early-infantile DEE. Also called: Ohtahara syndrome; Early infantile epileptic encephalopathy with suppression bursts; Early infantile epileptic encephalopathy. Identifiers: Orphanet 1934, MedGen C0393706, MONDO:0800491.

Allele frequency attached by ClinVar (database versions not stated): TOPMed below 0.00001; gnomAD 0.00001.

Submission:

Labcorp Genetics (formerly Invitae), Labcorp
Classification: Uncertain significance for Early-infantile DEE. Last evaluated: 2024-05-15. Review status: criteria provided, single submitter. Criteria: Invitae Variant Classification Sherloc (09022015). Collection method: clinical testing. Allele origin: germline.
Comment: This sequence change falls in intron 20 of the SCN1A gene. It does not directly change the encoded amino acid sequence of the SCN1A protein. However, this sequence change falls within a region encompassing a cryptic exon in the SCN1A gene, in which variants have been shown to alter splicing (PMID: 30526861, 34107977). This variant is present in population databases (no rsID available, gnomAD 0.007%). This variant has not been reported in the literature in individuals affected with SCN1A-related conditions. ClinVar contains an entry for this variant (Variation ID: 1564868). Algorithms developed to predict the effect of sequence changes on RNA splicing suggest that this variant is not likely to affect RNA splicing. In summary, the available evidence is currently insufficient to determine the role of this variant in disease. Therefore, it has been classified as a Variant of Uncertain Significance.

Literature cited by the submitters: PubMed 30526861; PubMed 34107977.

NM_001165963.4(SCN1A):c.4002+2436C>T

Genes: SCN1A (sodium voltage-gated channel alpha subunit 1; minus strand), LOC102724058 (uncharacterized LOC102724058; plus strand). Cytogenetic location: 2q24.3.
Variant type: single nucleotide variant.
Coding change: c.4002+2436C>T on transcript NM_001165963.4 (MANE Select); 2436 bases into the intron after coding-DNA position 4002, C replaced by T.
Molecular consequence: intron variant. On other transcripts: non-coding transcript variant (1).
Genome position (GRCh38, 1-based): chr2:166,007,283, G>A on the plus strand (C>T on the coding strand, the complement: SCN1A is on the minus strand). VCF-style: chr2-166007283-G-A. GRCh37 (hg19) VCF-style: chr2-166863793-G-A.
Other names: c.3969+2436C>T (NM_001353949.2, NM_001353950.2, NM_001353951.2 and 2 more transcripts); c.3918+2436C>T (NM_001353958.2, NM_001353957.2, NM_001165964.3); c.4002+2436C>T (NM_001202435.3, NM_001353948.2); c.3966+2436C>T (NM_001353955.2, NM_001353954.2); c.3915+2436C>T (NM_001353960.2); c.1560+2436C>T (NM_001353961.2).
Identifiers: ClinVar variation 1564868 (VCV001564868.9), dbSNP rs1272621179, ClinGen allele CA537134248.
Genomic context (GRCh38, chr2:166,007,283, plus strand): 5'-ACAGTACCCATAATAAAGGGCTCAGGGGAGGAACCAGCGCTCCACCCCATCCAAGTTGGA[G>A]CAAGATTATCCTATACAAAATAGAAATATATAGTTTGTTATTAGTTAGAAATCTGATATG-3'